The following is an entry in ClinVar:

NM_020232.5(PSMG2):c.180A>G (p.Pro60=)

Gene: PSMG2 (proteasome assembly chaperone 2; plus strand). Cytogenetic location: 18p11.21.
Variant type: single nucleotide variant.
Coding change: c.180A>G on transcript NM_020232.5 (MANE Select); coding-DNA position 180, A replaced by G.
Protein change: p.Pro60=; no amino-acid change (proline 60 retained).
Molecular consequence: synonymous variant.
Genome position (GRCh38, 1-based): chr18:12,706,672, A>G. VCF-style: chr18-12706672-A-G. GRCh37 (hg19) VCF-style: chr18-12706671-A-G.
Other names: c.87A>G, p.Pro29= (NM_147163.2); c.180A>G (NM_020232.4).
Identifiers: ClinVar variation 1044959 (VCV001044959.10), dbSNP rs1056051588, ClinGen allele CA296714263.
Genomic context (GRCh38, chr18:12,706,672, plus strand): 5'-TATGTCTAAGATTGGTTACTTCTATACCGATTGTCTTGTGCCAATGGTTGGAAACAATCC[A>G]TATGCGACCACAGAAGGAAATTCAACAGAACTTAGCATAAATGCTGAAGGTATGTAAGAC-3'
Protein context (NP_064617.2, residues 50-70): DCLVPMVGNN[Pro60=]YATTEGNSTE

ClinVar aggregate classification (germline): Likely benign (1 of 4 stars; one submission).

Allele frequency attached by ClinVar (database versions not stated): gnomAD exomes 0.00001; gnomAD 0.00002; TOPMed 0.00002.
gnomAD v4.1: 13 of 1,612,144 alleles (0.00081%); highest among the groups gnomAD compares: East Asian, 0.016%; no homozygotes.

Submission:

Labcorp Genetics (formerly Invitae), Labcorp
Classification: Likely benign. Last evaluated: 2023-07-10. Review status: criteria provided, single submitter. Criteria: Invitae Variant Classification Sherloc (09022015). Collection method: clinical testing. Allele origin: germline.